The following is an entry in ClinVar:

NM_015631.6(TCTN3):c.1484del (p.Pro495fs)

Gene: TCTN3 (tectonic family member 3; minus strand). Cytogenetic location: 10q24.1.
Variant type: Deletion.
Coding change: c.1484del on transcript NM_015631.6 (MANE Select); coding-DNA position 1484, one base deleted (C; older notation c.1484delC).
Protein change: p.Pro495fs; shifts the reading frame from proline 495.
Molecular consequence: frameshift variant.
Genome position (GRCh38, 1-based): chr10:95,680,578, G deleted on the plus strand (C on the coding strand, the reverse complement: TCTN3 is on the minus strand); the first of 2 consecutive G bases (chr10:95,680,578-95,680,579); deleting either gives the same sequence. VCF-style (leftmost placement, unchanged base first): chr10-95680577-TG-T. GRCh37 (hg19) VCF-style: chr10-97440334-TG-T.
Other names: c.1040del, p.Pro347fs (NM_001143973.2); c.1388del, p.Pro463fs (NM_001410982.1); c.1484delC (NM_015631.5); short protein forms P347fs, P495fs, P463fs.
Identifiers: ClinVar variation 4909008 (VCV004909008.2).

ClinVar aggregate classification (germline): Conflicting classifications of pathogenicity. Review status: criteria provided, conflicting classifications (1 of 4 stars). 2 submissions from 2 submitters: Likely pathogenic (1); Uncertain significance (1). Last evaluated 2026-07-20.

Conditions:
TCTN3-related disorder. Also called: TCTN3-related condition.

Submissions (2):

PreventionGenetics, part of Exact Sciences
Classification: Likely pathogenic for TCTN3-related condition. Last evaluated: 2026-07-20. Review status: criteria provided, single submitter. Criteria: ACMG Guidelines, 2015. Collection method: clinical testing. Allele origin: germline.
Comment: The TCTN3 c.1484delC variant is predicted to result in a frameshift and premature protein termination (p.Pro495Glnfs*13). To our knowledge, this variant has not been reported in the literature or in a large population database (gnomAD), indicating this variant is rare. Frameshift variants in TCTN3 are expected to be pathogenic. This variant is interpreted as likely pathogenic.

Blueprint Genetics
Classification: Uncertain significance. Last evaluated: 2024-07-25. Review status: criteria provided, single submitter. Criteria: ACMG Guidelines, 2015. Collection method: clinical testing. Allele origin: germline.